The following is an entry in ClinVar:

NM_001276345.2(TNNT2):c.68-5del

Gene: TNNT2 (troponin T2, cardiac type; minus strand). Cytogenetic location: 1q32.1.
Variant type: Deletion.
Coding change: c.68-5del on transcript NM_001276345.2 (MANE Select); 5 bases into the intron before coding-DNA position 68, one base deleted (C; older notation c.68-5delC).
Molecular consequence: intron variant.
Genome position (GRCh38, 1-based): chr1:201,369,850, G deleted on the plus strand (C on the coding strand, the reverse complement: TNNT2 is on the minus strand); the first of 2 consecutive G bases (chr1:201,369,850-201,369,851); deleting either gives the same sequence. VCF-style (leftmost placement, unchanged base first): chr1-201369849-AG-A. GRCh37 (hg19) VCF-style: chr1-201338977-AG-A.
Other names: c.53-1623del (NM_001001432.3); c.68-1623del (NM_001001431.3, NM_001001430.3, NM_001276347.2); c.68-5del (NM_001276346.2, NM_000364.4).
Identifiers: ClinVar variation 1223972 (VCV001223972.5), dbSNP rs2102295381, ClinGen allele CA2499214402.

ClinVar aggregate classification (germline): Benign. Review status: criteria provided, single submitter (1 of 4 stars). 3 submissions from 3 submitters: Benign (1). 2 of the submissions do not count toward it. Last evaluated 2015-03-03.

Submissions (3):

GeneDx
Classification: Benign. Last evaluated: 2015-03-03. Review status: criteria provided, single submitter. Criteria: GeneDx Variant Classification Process June 2021. Collection method: clinical testing. Allele origin: germline. Affected: yes.
Comment: This variant is associated with the following publications: (PMID: 25351510)

Clinical Genetics, Academic Medical Center
Classification: Likely benign. Review status: no assertion criteria provided. Collection method: clinical testing. Allele origin: germline. Affected: yes. Study: VKGL Data-share Consensus. Not counted in ClinVar's aggregate classification.

Diagnostic Laboratory, Department of Genetics, University Medical Center Groningen
Classification: Likely benign. Review status: no assertion criteria provided. Collection method: clinical testing. Allele origin: germline. Affected: yes. Study: VKGL Data-share Consensus. Not counted in ClinVar's aggregate classification.